The following is an entry in ClinVar:

NM_000038.6(APC):c.5653A>G (p.Lys1885Glu)

Gene: APC (APC regulator of Wnt signaling pathway; plus strand). Cytogenetic location: 5q22.2.
Variant type: single nucleotide variant.
Coding change: c.5653A>G on transcript NM_000038.6 (MANE Select); coding-DNA position 5653, A replaced by G.
Protein change: p.Lys1885Glu; replaces lysine 1885 with glutamic acid.
Molecular consequence: missense variant.
Genome position (GRCh38, 1-based): chr5:112,841,247, A>G. VCF-style: chr5-112841247-A-G. GRCh37 (hg19) VCF-style: chr5-112176944-A-G.
Other names: c.5653A>G, p.Lys1885Glu (NM_001127510.3, NM_001354895.2); c.5599A>G, p.Lys1867Glu (NM_001127511.3); c.5707A>G, p.Lys1903Glu (NM_001354896.2); c.5683A>G, p.Lys1895Glu (NM_001354897.2); c.5578A>G, p.Lys1860Glu (NM_001354898.2); c.5569A>G, p.Lys1857Glu (NM_001354899.2); c.5530A>G, p.Lys1844Glu (NM_001354900.2); c.5476A>G, p.Lys1826Glu (NM_001354901.2); and 5 more; short protein forms K1860E, K1885E, K1602E, K1784E, K1844E, K1857E, K1903E, K1759E.
Identifiers: ClinVar variation 924008 (VCV000924008.4), dbSNP rs1766000221, ClinGen allele CA16033706.

ClinVar aggregate classification (germline): Uncertain significance (1 of 4 stars; one submission).

Conditions:
Hereditary cancer-predisposing syndrome. Also called: Neoplastic Syndromes, Hereditary; Tumor predisposition; Hereditary Cancer Syndrome; Hereditary neoplastic syndrome. Identifiers: Orphanet 140162, MedGen C0027672, MeSH D009386, MONDO:0015356.

Submission:

Color Diagnostics, LLC DBA Color Health
Classification: Uncertain significance for Hereditary cancer-predisposing syndrome. Last evaluated: 2023-12-05. Review status: criteria provided, single submitter. Criteria: ACMG Guidelines, 2015. Collection method: clinical testing. Allele origin: germline.
Comment: This missense variant replaces lysine with glutamic acid at codon 1885 of the APC protein. Computational prediction suggests that this variant may not impact protein structure and function (internally defined REVEL score threshold <= 0.5, PMID: 27666373). To our knowledge, functional studies have not been reported for this variant. This variant has not been reported in individuals affected with APC-related disorders in the literature. This variant has not been identified in the general population by the Genome Aggregation Database (gnomAD). The available evidence is insufficient to determine the role of this variant in disease conclusively. Therefore, this variant is classified as a Variant of Uncertain Significance.